The following is an entry in ClinVar:

NM_001013736.3(FAM47C):c.1653_1724del (p.Glu552_Pro575del)

Gene: FAM47C (family with sequence similarity 47 member C; plus strand). Cytogenetic location: Xp21.1.
Variant type: Deletion.
Coding change: c.1653_1724del on transcript NM_001013736.3 (MANE Select); coding-DNA positions 1653 to 1724, 72 bases deleted.
Protein change: p.Glu552_Pro575del.
Molecular consequence: inframe deletion.
Genome position (GRCh38, 1-based): chrX:37,010,063-37,010,134, 72 bases deleted. GRCh37 (hg19): chrX:37,028,136-37,028,207.
Identifiers: ClinVar variation 4873217 (VCV004873217.2).

ClinVar aggregate classification (germline): Likely benign (1 of 4 stars; one submission).

Submission:

CeGaT Center for Human Genetics Tuebingen
Classification: Likely benign. Last evaluated: 2026-05-01. Review status: criteria provided, single submitter. Criteria: CeGaT Center For Human Genetics Tuebingen Variant Classification Criteria Version 2. Collection method: clinical testing. Allele origin: germline. Affected: yes. Observed: 1 variant allele.
Comment: FAM47C: PM4, BS2